The following is an entry in ClinVar:

NM_000492.4(CFTR):c.3281C>G (p.Ser1094Ter)

Genes: CFTR (CF transmembrane conductance regulator; plus strand), CFTR-AS2 (CFTR antisense RNA 2; minus strand), LOC111674472 (DNase I hypersensitive sites in introns 16 and 17a of CFTR; plus strand). Cytogenetic location: 7q31.2.
Variant type: single nucleotide variant.
Coding change: c.3281C>G on transcript NM_000492.4 (MANE Select); coding-DNA position 3281, C replaced by G.
Protein change: p.Ser1094Ter; replaces serine 1094 with a stop codon.
Molecular consequence: nonsense.
Genome position (GRCh38, 1-based): chr7:117,611,722, C>G. VCF-style: chr7-117611722-C-G. GRCh37 (hg19) VCF-style: chr7-117251776-C-G.
Other names: short protein forms S1094*.
Identifiers: ClinVar variation 2860604 (VCV002860604.3), dbSNP rs2485130489, ClinGen allele CA368992368.
Genomic context (GRCh38, chr7:117,611,722, plus strand): 5'-TTGAAACTCTGTTCCACAAAGCTCTGAATTTACATACTGCCAACTGGTTCTTGTACCTGT[C>G]AACACTGCGCTGGTTCCAAATGAGAATAGAAATGATTTTTGTCATCTTCTTCATTGCTGT-3'

ClinVar aggregate classification (germline): Pathogenic (1 of 4 stars; one submission).

Conditions:
Cystic fibrosis (CF). Also called: MUCOVISCIDOSIS. Identifiers: Orphanet 586, MedGen C0010674, MONDO:0009061, OMIM 219700. Disease mechanism: loss of function.

Submission:

Labcorp Genetics (formerly Invitae), Labcorp
Classification: Pathogenic for Cystic fibrosis. Last evaluated: 2023-04-29. Review status: criteria provided, single submitter. Criteria: Invitae Variant Classification Sherloc (09022015). Collection method: clinical testing. Allele origin: germline.
Comment: For these reasons, this variant has been classified as Pathogenic. This variant has not been reported in the literature in individuals affected with CFTR-related conditions. This variant is not present in population databases (gnomAD no frequency). This sequence change creates a premature translational stop signal (p.Ser1094*) in the CFTR gene. It is expected to result in an absent or disrupted protein product. Loss-of-function variants in CFTR are known to be pathogenic (PMID: 1695717, 7691345, 9725922).

Literature cited by the submitters: PubMed 1695717; PubMed 7691345; PubMed 9725922.